The following is an entry in ClinVar:

NM_001368809.2(AMPD2):c.-119G>C

Gene: AMPD2 (adenosine monophosphate deaminase 2; plus strand). Cytogenetic location: 1p13.3.
Variant type: single nucleotide variant.
Coding change: c.-119G>C on transcript NM_001368809.2 (MANE Select); 119 bases upstream of the start codon, G replaced by C.
Molecular consequence: 5 prime UTR variant. On other transcripts: intron variant (1).
Genome position (GRCh38, 1-based): chr1:109,621,057, G>C. VCF-style: chr1-109621057-G-C. GRCh37 (hg19) VCF-style: chr1-110163679-G-C.
Other names: c.-51G>C (NM_001308170.1); c.10+779G>C (NM_139156.4).
Identifiers: ClinVar variation 2135689 (VCV002135689.4), dbSNP rs2524376370, ClinGen allele CA341547576.

ClinVar aggregate classification (germline): Uncertain significance (1 of 4 stars; one submission).

Conditions:
Pontocerebellar hypoplasia type 9. Identifiers: Orphanet 369920, MedGen C4014354, MONDO:0014351, OMIM 615809.
Hereditary spastic paraplegia 63. Also called: Spastic paraplegia 63, autosomal recessive. Identifiers: Orphanet 401805, MedGen C3810295, MONDO:0014305, OMIM 615686.

Submission:

Labcorp Genetics (formerly Invitae), Labcorp
Classification: Uncertain significance for Pontocerebellar hypoplasia type 9; Hereditary spastic paraplegia 63. Last evaluated: 2023-05-09. Review status: criteria provided, single submitter. Criteria: Invitae Variant Classification Sherloc (09022015). Collection method: clinical testing. Allele origin: germline.
Comment: This sequence change replaces cysteine, which is neutral and slightly polar, with serine, which is neutral and polar, at codon 15 of the AMPD2 protein (p.Cys15Ser). This variant is not present in population databases (gnomAD no frequency). This variant has not been reported in the literature in individuals affected with AMPD2-related conditions. ClinVar contains an entry for this variant (Variation ID: 2135689). Algorithms developed to predict the effect of missense changes on protein structure and function output the following: SIFT: "Not Available"; PolyPhen-2: "Benign"; Align-GVGD: "Not Available". The serine amino acid residue is found in multiple mammalian species, which suggests that this missense change does not adversely affect protein function. In summary, the available evidence is currently insufficient to determine the role of this variant in disease. Therefore, it has been classified as a Variant of Uncertain Significance.